The following is an entry in ClinVar:

NM_001270508.2(TNFAIP3):c.338G>A (p.Trp113Ter)

Gene: TNFAIP3 (TNF alpha induced protein 3; plus strand). Cytogenetic location: 6q23.3.
Variant type: single nucleotide variant.
Coding change: c.338G>A on transcript NM_001270508.2 (MANE Select); coding-DNA position 338, G replaced by A.
Protein change: p.Trp113Ter; replaces tryptophan 113 with a stop codon.
Molecular consequence: nonsense.
Genome position (GRCh38, 1-based): chr6:137,874,887, G>A. VCF-style: chr6-137874887-G-A. GRCh37 (hg19) VCF-style: chr6-138196024-G-A.
Other names: c.338G>A, p.Trp113Ter (NM_001270507.2, NM_006290.4); short protein forms W113*.
Identifiers: ClinVar variation 3728749 (VCV003728749.2).

ClinVar aggregate classification (germline): Pathogenic (1 of 4 stars; one submission).

Submission:

Labcorp Genetics (formerly Invitae), Labcorp
Classification: Pathogenic. Last evaluated: 2025-01-08. Review status: criteria provided, single submitter. Criteria: Invitae Variant Classification Sherloc (09022015). Collection method: clinical testing. Allele origin: germline.
Comment: This sequence change creates a premature translational stop signal (p.Trp113*) in the TNFAIP3 gene. It is expected to result in an absent or disrupted protein product. Loss-of-function variants in TNFAIP3 are known to be pathogenic (PMID: 26642243). This variant is not present in population databases (gnomAD no frequency). This variant has not been reported in the literature in individuals affected with TNFAIP3-related conditions. For these reasons, this variant has been classified as Pathogenic.

Literature cited by the submitters: PubMed 26642243.